The following is an entry in ClinVar:

NM_152296.5(ATP1A3):c.2227G>T (p.Asp743Tyr)

Gene: ATP1A3 (ATPase Na+/K+ transporting subunit alpha 3; minus strand). Cytogenetic location: 19q13.2.
Variant type: single nucleotide variant.
Coding change: c.2227G>T on transcript NM_152296.5 (MANE Select); coding-DNA position 2227, G replaced by T.
Protein change: p.Asp743Tyr; replaces aspartic acid 743 with tyrosine.
Molecular consequence: missense variant.
Genome position (GRCh38, 1-based): chr19:41,975,665, C>A on the plus strand (G>T on the coding strand, the complement: ATP1A3 is on the minus strand). VCF-style: chr19-41975665-C-A. GRCh37 (hg19) VCF-style: chr19-42479817-C-A.
Other names: c.2260G>T, p.Asp754Tyr (NM_001256213.2); c.2266G>T, p.Asp756Tyr (NM_001256214.2); short protein forms D743Y, D754Y, D756Y.
Identifiers: ClinVar variation 1718883 (VCV001718883.5), dbSNP rs1555860790, ClinGen allele CA406041728.

ClinVar aggregate classification (germline): Uncertain significance (1 of 4 stars; one submission).

Conditions:
Dystonia 12 (DYT12). Also called: Rapid-Onset Dystonia-Parkinsonism (RDP); DYT-ATP1A3. Identifiers: Orphanet 71517, MedGen C1868681, MONDO:0007496, OMIM 128235.

Submission:

Labcorp Genetics (formerly Invitae), Labcorp
Classification: Uncertain significance for Dystonia 12. Last evaluated: 2022-09-15. Review status: criteria provided, single submitter. Criteria: Invitae Variant Classification Sherloc (09022015). Collection method: clinical testing. Allele origin: germline.
Comment: This variant is not present in population databases (gnomAD no frequency). In summary, the available evidence is currently insufficient to determine the role of this variant in disease. Therefore, it has been classified as a Variant of Uncertain Significance. This missense change has been observed in individual(s) with clinical features of ATP1A3-related conditions (Invitae). Advanced modeling of protein sequence and biophysical properties (such as structural, functional, and spatial information, amino acid conservation, physicochemical variation, residue mobility, and thermodynamic stability) performed at Invitae indicates that this missense variant is expected to disrupt ATP1A3 protein function. This sequence change replaces aspartic acid, which is acidic and polar, with tyrosine, which is neutral and polar, at codon 743 of the ATP1A3 protein (p.Asp743Tyr).